The following is an entry in ClinVar:

ClinVar aggregate classification (germline): Pathogenic/Likely pathogenic. Review status: criteria provided, multiple submitters, no conflicts (2 of 4 stars). 2 submissions from 2 submitters: Pathogenic (1); Likely pathogenic (1). Last evaluated 2024-07-17.

Conditions:
Severe combined immunodeficiency, autosomal recessive, T cell-negative, B cell-negative, NK cell-positive. Also called: SCID, T CELL-NEGATIVE, B CELL-NEGATIVE, NK CELL-POSITIVE; SCID, AR, T-cell negative, B-cell negative, NK cell-positive; Severe combined immunodeficiency due to complete RAG1/2 deficiency. Identifiers: Orphanet 331206, MedGen C1832322, MONDO:0011086, OMIM 601457.
Combined immunodeficiency with skin granulomas. Identifiers: Orphanet 157949, MedGen C2673536, MONDO:0009306, OMIM 233650.
Combined immunodeficiency due to partial RAG1 deficiency. Identifiers: Orphanet 231154, MedGen C1835931, MONDO:0012359, OMIM 609889.

Allele frequency attached by ClinVar (database versions not stated): ExAC 0.00002; gnomAD exomes 0.00002; ESP Exome Variant Server 0.00008.

Submissions (2):

Labcorp Genetics (formerly Invitae), Labcorp
Classification: Pathogenic for Combined immunodeficiency with skin granulomas; Severe combined immunodeficiency, autosomal recessive, T cell-negative, B cell-negative, NK cell-positive. Last evaluated: 2024-07-17. Review status: criteria provided, single submitter. Criteria: Invitae Variant Classification Sherloc (09022015). Collection method: clinical testing. Allele origin: germline.
Comment: This sequence change creates a premature translational stop signal (p.Val715Cysfs*35) in the RAG1 gene. While this is not anticipated to result in nonsense mediated decay, it is expected to disrupt the last 329 amino acid(s) of the RAG1 protein. This variant is present in population databases (rs773194976, gnomAD 0.002%). This variant has not been reported in the literature in individuals affected with RAG1-related conditions. This variant disrupts a region of the RAG1 protein in which other variant(s) (p.His994Arg) have been determined to be pathogenic (Invitae). This suggests that this is a clinically significant region of the protein, and that variants that disrupt it are likely to be disease-causing. For these reasons, this variant has been classified as Pathogenic.

Baylor Genetics
Classification: Likely pathogenic for Combined immunodeficiency due to partial RAG1 deficiency. Last evaluated: 2022-10-25. Review status: criteria provided, single submitter. Criteria: ACMG Guidelines, 2015. Collection method: clinical testing. Allele origin: unknown.

NM_000448.3(RAG1):c.2143del (p.Val715fs)

Gene: RAG1 (recombination activating 1; plus strand). Cytogenetic location: 11p12.
Variant type: Deletion.
Coding change: c.2143del on transcript NM_000448.3 (MANE Select); coding-DNA position 2143, one base deleted (G; older notation c.2143delG).
Protein change: p.Val715fs; shifts the reading frame from valine 715.
Molecular consequence: frameshift variant.
Genome position (GRCh38, 1-based): chr11:36,575,447, G deleted. VCF-style (leftmost placement, unchanged base first): chr11-36575446-TG-T. GRCh37 (hg19) VCF-style: chr11-36596996-TG-T.
Other names: c.2143del, p.Val715fs (NM_001377277.1, NM_001377278.1, NM_001377279.1 and 1 more transcripts); short protein forms V715fs.
Identifiers: ClinVar variation 2678211 (VCV002678211.4), dbSNP rs773194976, ClinGen allele CA5950217.